The following is an entry in ClinVar:

ClinVar aggregate classification (germline): Uncertain significance. Review status: criteria provided, multiple submitters, no conflicts (2 of 4 stars). 2 submissions from 2 submitters: Uncertain significance (2). Last evaluated 2024-03-27.

Conditions:
Inborn genetic diseases. Identifiers: MedGen C0950123, MeSH D030342.

Allele frequency attached by ClinVar (database versions not stated): ExAC 0.00002; TOPMed 0.00002; gnomAD 0.00003; gnomAD exomes 0.00003.
gnomAD v4.1: 55 of 1,614,054 alleles (0.0034%); highest among the groups gnomAD compares: Non-Finnish European, 0.0044%; no homozygotes.

Submissions (2):

Athena Diagnostics
Classification: Uncertain significance. Last evaluated: 2024-03-27. Review status: criteria provided, single submitter. Criteria: Athena Diagnostics Criteria. Collection method: clinical testing. Allele origin: unknown.
Comment: Available data are insufficient to determine the clinical significance of the variant at this time. The frequency of this variant in the general population is higher than would generally be expected for pathogenic variants in this gene. Computational tools disagree on the variant's effect on normal protein function.

Ambry Genetics
Classification: Uncertain significance for Inborn genetic diseases. Last evaluated: 2021-05-16. Review status: criteria provided, single submitter. Criteria: Ambry Variant Classification Scheme 2023. Collection method: clinical testing. Allele origin: germline.

NM_004977.3(KCNC3):c.1294G>A (p.Val432Met)

Gene: KCNC3 (potassium voltage-gated channel subfamily C member 3; minus strand). Cytogenetic location: 19q13.33.
Variant type: single nucleotide variant.
Coding change: c.1294G>A on transcript NM_004977.3 (MANE Select); coding-DNA position 1294, G replaced by A.
Protein change: p.Val432Met; replaces valine 432 with methionine.
Molecular consequence: missense variant.
Genome position (GRCh38, 1-based): chr19:50,323,659, C>T on the plus strand (G>A on the coding strand, the complement: KCNC3 is on the minus strand). VCF-style: chr19-50323659-C-T. GRCh37 (hg19) VCF-style: chr19-50826916-C-T.
Other names: c.1066G>A, p.Val356Met (NM_001372305.1); short protein forms V432M, V356M.
Identifiers: ClinVar variation 2230878 (VCV002230878.3), dbSNP rs766890044, ClinGen allele CA9594257.